The following is an entry in ClinVar:

ClinVar aggregate classification (germline): Uncertain significance (1 of 4 stars; one submission).

Conditions:
Inborn genetic diseases. Identifiers: MedGen C0950123, MeSH D030342.

Allele frequency attached by ClinVar (database versions not stated): ExAC 0.00001.
gnomAD v4.1: 2 of 1,614,190 alleles (0.00012%); highest among the groups gnomAD compares: Non-Finnish European, 0.00017%; no homozygotes.

Submission:

Ambry Genetics
Classification: Uncertain significance for Inborn genetic diseases. Last evaluated: 2022-06-03. Review status: criteria provided, single submitter. Criteria: Ambry Variant Classification Scheme 2023. Collection method: clinical testing. Allele origin: germline.
Comment: The p.A201D variant (also known as c.602C>A), located in coding exon 6 of the MDH2 gene, results from a C to A substitution at nucleotide position 602. The alanine at codon 201 is replaced by aspartic acid, an amino acid with dissimilar properties. This amino acid position is conserved. In addition, this alteration is predicted to be deleterious by in silico analysis. Since supporting evidence is limited at this time, the clinical significance of this alteration remains unclear.

NM_005918.4(MDH2):c.602C>A (p.Ala201Asp)

Gene: MDH2 (malate dehydrogenase 2; plus strand). Cytogenetic location: 7q11.23.
Variant type: single nucleotide variant.
Coding change: c.602C>A on transcript NM_005918.4 (MANE Select); coding-DNA position 602, C replaced by A.
Protein change: p.Ala201Asp; replaces alanine 201 with aspartic acid.
Molecular consequence: missense variant.
Genome position (GRCh38, 1-based): chr7:76,063,561, C>A. VCF-style: chr7-76063561-C-A. GRCh37 (hg19) VCF-style: chr7-75692879-C-A.
Other names: c.281C>A, p.Ala94Asp (NM_001282404.2); c.476C>A, p.Ala159Asp (NM_001282403.2); short protein forms A201D, A94D, A159D.
Identifiers: ClinVar variation 1751166 (VCV001751166.2), dbSNP rs782483041, ClinGen allele CA4305611.
Genomic context (GRCh38, chr7:76,063,561, plus strand): 5'-ACTTTGGTCACCAGGGTTTGGATCCAGCTCGAGTCAACGTCCCTGTCATTGGTGGCCATG[C>A]TGGGAAGACCATCATCCCCCTGATCTCTCAGGTACACGCATATGACCCTGTGAGGGGCTT-3'
Protein context (NP_005909.2, residues 191-211): RVNVPVIGGH[Ala201Asp]GKTIIPLISQ